The following is an entry in ClinVar:

ClinVar aggregate classification (germline): Conflicting classifications of pathogenicity. Review status: criteria provided, conflicting classifications (1 of 4 stars). 3 submissions from 3 submitters: Likely pathogenic (1); Uncertain significance (2). Last evaluated 2022-03-31.

Conditions:
Inborn genetic diseases. Identifiers: MedGen C0950123, MeSH D030342.
Hypotonia, infantile, with psychomotor retardation and characteristic facies 1 (INNFD). Identifiers: Orphanet 371364, Orphanet 700336, MedGen C3809454, MONDO:0024567, OMIM 615419.

Allele frequency attached by ClinVar (database versions not stated): TOPMed below 0.00001; gnomAD 0.00001; gnomAD exomes below 0.00001.
gnomAD v4.1: 2 of 1,613,894 alleles (0.00012%); highest among the groups gnomAD compares: Non-Finnish European, 0.00017%; no homozygotes.

Submissions (3):

GeneDx
Classification: Uncertain significance. Last evaluated: 2022-03-31. Review status: criteria provided, single submitter. Criteria: GeneDx Variant Classification Process June 2021. Collection method: clinical testing. Allele origin: germline. Affected: yes.
Comment: Not observed at significant frequency in large population cohorts (gnomAD); Intronic +5 splice site variant in a gene for which loss of function is a known mechanism of disease, and both splice predictors and evolutionary conservation support a deleterious effect, although in the absence of functional evidence the actual effect of this sequence change is unknown.; Has not been previously published as pathogenic or benign to our knowledge

Ambry Genetics
Classification: Uncertain significance for Inborn genetic diseases. Last evaluated: 2020-01-14. Review status: criteria provided, single submitter. Criteria: Ambry Variant Classification Scheme 2023. Collection method: clinical testing. Allele origin: germline.
Comment: The alteration results in an intronic change: _x000D_ _x000D_ The c.2579+5G>A intronic alteration results from a G to A substitution 5 nucleotides after exon 22 (coding exon 21) of the NALCN gene. The alteration is not observed in population databases:_x000D_ _x000D_ Based on data from the Genome Aggregation Database (gnomAD), the NALCN c.2579+5G>A alteration was not observed, with coverage at this position. The altered nucleotide is conserved throughout evolution:_x000D_ _x000D_ The c.2579+5G nucleotide is conserved in available vertebrate species. ONLY INCLUDE FOR 480070_Montoya (Exome)RNA studies demonstrated this alteration results in abnormal splicing: _x000D_ _x000D_ RNA studies performed on fibroblasts of this individual, in a research laboratory, demonstrated that this alteration results in skipping of exon 22 resulting in a 41 amino acid in-frame deletion. Results were not available for review. The alteration is predicted to affect splicing by in silico models:_x000D_ _x000D_ Using the BDGP and ESEfinder splice site prediction tools, this alteration is predicted to weaken the efficiency of the native splice donor site. Based on insufficient or conflicting evidence, the clinical significance of this alteration remains unclear.

Undiagnosed Diseases Network, NIH
Classification: Likely pathogenic for Hypotonia, infantile, with psychomotor retardation and characteristic facies 1. Last evaluated: 2019-09-19. Review status: criteria provided, single submitter. Criteria: ACMG Guidelines, 2015. Collection method: clinical testing. Allele origin: paternal. Inheritance: Autosomal recessive inheritance. Affected: yes. Observed: 3 variant alleles, 2 compound heterozygotes. Clinical features observed: Strabismus (HP:0000486), Seizures (HP:0001250), Ptosis (HP:0000508), Primary Caesarian section (HP:0030363), Mitochondrial myopathy (HP:0003737), Inability to walk (HP:0002540), Hypertonia (HP:0001276), Global developmental delay (HP:0001263), Failure to thrive (HP:0001508), Exaggerated startle response (HP:0002267), Esotropia (HP:0000565), Developmental regression (HP:0002376), and 6 more.

NM_052867.4(NALCN):c.2579+5G>A

Gene: NALCN (sodium leak channel, non-selective; minus strand). Cytogenetic location: 13q33.1.
Variant type: single nucleotide variant.
Coding change: c.2579+5G>A on transcript NM_052867.4 (MANE Select); 5 bases into the intron after coding-DNA position 2579, G replaced by A.
Molecular consequence: intron variant.
Genome position (GRCh38, 1-based): chr13:101,107,482, C>T on the plus strand (G>A on the coding strand, the complement: NALCN is on the minus strand). VCF-style: chr13-101107482-C-T. GRCh37 (hg19) VCF-style: chr13-101759833-C-T.
Other names: c.2492+5G>A (NM_001350751.2, NM_001350750.2); c.2579+5G>A (NM_001350749.2, NM_052867.2); c.2666+5G>A (NM_001350748.2).
Identifiers: ClinVar variation 870580 (VCV000870580.7), dbSNP rs2035187622, ClinGen allele CA959539294.